The following is an entry in ClinVar:

ClinVar aggregate classification (germline): Uncertain significance. Review status: criteria provided, multiple submitters, no conflicts (2 of 4 stars). 2 submissions from 2 submitters: Uncertain significance (2). Last evaluated 2024-12-09.

Conditions:
Rotor syndrome (HBLRR). Also called: HYPERBILIRUBINEMIA, ROTOR TYPE, DIGENIC; HYPERBILIRUBINEMIA, ROTOR TYPE. Identifiers: Orphanet 3111, MedGen C0220991, MONDO:0009379, OMIM 237450.
SLCO1B3-related disorder. Also called: SLCO1B3-related condition.

Allele frequency attached by ClinVar (database versions not stated): gnomAD exomes 0.00001 and 0.00003; ExAC 0.00005; ESP Exome Variant Server 0.00008.
gnomAD v4.1: 9 of 1,581,362 alleles (0.00057%); highest among the groups gnomAD compares: Admixed American, 0.0034%; no homozygotes.

Submissions (2):

PreventionGenetics, part of Exact Sciences
Classification: Uncertain significance for SLCO1B3-related condition. Last evaluated: 2024-12-09. Review status: criteria provided, single submitter. Criteria: ACMG Guidelines, 2015. Collection method: clinical testing. Allele origin: germline.
Comment: The SLCO1B3 c.227G>T variant is predicted to result in the amino acid substitution p.Gly76Val. To our knowledge, this variant has not been reported in the literature. This variant is reported in 0.0057% of alleles in individuals of Latino descent in gnomAD. At this time, the clinical significance of this variant is uncertain due to the absence of conclusive functional and genetic evidence.

ARUP Laboratories, Molecular Genetics and Genomics, ARUP Laboratories
Classification: Uncertain significance for Rotor syndrome. Last evaluated: 2021-10-01. Review status: criteria provided, single submitter. Criteria: ARUP Molecular Germline Variant Investigation Process 2021. Collection method: clinical testing. Allele origin: germline.

NM_019844.4(SLCO1B3):c.227G>T (p.Gly76Val)

Genes: SLCO1B3 (solute carrier organic anion transporter family member 1B3; plus strand), SLCO1B3-SLCO1B7 (SLCO1B3-SLCO1B7 readthrough; plus strand). Cytogenetic location: 12p12.2.
Variant type: single nucleotide variant.
Coding change: c.227G>T on transcript NM_019844.4 (MANE Select); coding-DNA position 227, G replaced by T.
Protein change: p.Gly76Val; replaces glycine 76 with valine.
Molecular consequence: missense variant.
Genome position (GRCh38, 1-based): chr12:20,858,439, G>T. VCF-style: chr12-20858439-G-T. GRCh37 (hg19) VCF-style: chr12-21011373-G-T.
Other names: c.227G>T, p.Gly76Val (NM_001371097.1); c.143G>T, p.Gly48Val (NM_001349920.2); c.227G>T (NM_019844.3); short protein forms G48V, G76V.
Identifiers: ClinVar variation 1330435 (VCV001330435.8), dbSNP rs368091191, ClinGen allele CA6475115.